The following is an entry in ClinVar:

ClinVar aggregate classification (germline): Uncertain significance. Review status: criteria provided, multiple submitters, no conflicts (2 of 4 stars). 2 submissions from 2 submitters: Uncertain significance (2). Last evaluated 2025-12-22.

Submissions (2):

Ambry Genetics
Classification: Uncertain significance. Last evaluated: 2025-12-22. Review status: criteria provided, single submitter. Criteria: Ambry Variant Classification Scheme 2023. Collection method: clinical testing. Allele origin: germline.
Comment: The p.G59R variant (also known as c.175G>C), located in coding exon 1 of the GALNT12 gene, results from a G to C substitution at nucleotide position 175. The glycine at codon 59 is replaced by arginine, an amino acid with dissimilar properties. This amino acid position is conserved. In addition, this alteration is predicted to be tolerated by in silico analysis. Based on the available evidence, the clinical significance of this variant remains unclear.

Labcorp Genetics (formerly Invitae), Labcorp
Classification: Uncertain significance. Last evaluated: 2019-09-23. Review status: criteria provided, single submitter. Criteria: Invitae Variant Classification Sherloc (09022015). Collection method: clinical testing. Allele origin: germline.
Comment: In summary, the available evidence is currently insufficient to determine the role of this variant in disease. Therefore, it has been classified as a Variant of Uncertain Significance. Algorithms developed to predict the effect of missense changes on protein structure and function are either unavailable or do not agree on the potential impact of this missense change (SIFT: "Tolerated"; PolyPhen-2: "Not Available"; Align-GVGD: "Class C0"). This variant has not been reported in the literature in individuals with GALNT12-related conditions. The frequency data for this variant in the population databases is considered unreliable, as metrics indicate insufficient coverage at this position in the ExAC database. This sequence change replaces glycine with arginine at codon 59 of the GALNT12 protein (p.Gly59Arg). The glycine residue is weakly conserved and there is a moderate physicochemical difference between glycine and arginine.

NM_024642.5(GALNT12):c.175G>C (p.Gly59Arg)

Gene: GALNT12 (polypeptide N-acetylgalactosaminyltransferase 12; plus strand). Cytogenetic location: 9q22.33.
Variant type: single nucleotide variant.
Coding change: c.175G>C on transcript NM_024642.5 (MANE Select); coding-DNA position 175, G replaced by C.
Protein change: p.Gly59Arg; replaces glycine 59 with arginine.
Molecular consequence: missense variant.
Genome position (GRCh38, 1-based): chr9:98,807,873, G>C. VCF-style: chr9-98807873-G-C. GRCh37 (hg19) VCF-style: chr9-101570155-G-C.
Other names: short protein forms G59R.
Identifiers: ClinVar variation 935428 (VCV000935428.10), dbSNP rs1835411866, ClinGen allele CA374222459.